The following is an entry in ClinVar:

NM_020894.4(UVSSA):c.551-6C>T

Gene: UVSSA (UV stimulated scaffold protein A; plus strand). Cytogenetic location: 4p16.3.
Variant type: single nucleotide variant.
Coding change: c.551-6C>T on transcript NM_020894.4 (MANE Select); 6 bases into the intron before coding-DNA position 551, C replaced by T.
Molecular consequence: intron variant.
Genome position (GRCh38, 1-based): chr4:1,353,024, C>T. VCF-style: chr4-1353024-C-T. GRCh37 (hg19) VCF-style: chr4-1346812-C-T.
Other names: c.551-6C>T (NM_001317935.2, NM_001317934.2).
Identifiers: ClinVar variation 3052599 (VCV003052599.2), dbSNP rs375343086, ClinGen allele CA2805689.

ClinVar aggregate classification (germline): Likely benign (0 of 4 stars; one submission).

Conditions:
UVSSA-related disorder. Also called: UVSSA-related condition.

Allele frequency attached by ClinVar (database versions not stated): ESP Exome Variant Server 0.00008.
gnomAD v4.1: 25 of 1,602,318 alleles (0.0016%); highest among the groups gnomAD compares: South Asian, 0.01%; no homozygotes.

Submission:

PreventionGenetics, part of Exact Sciences
Classification: Likely benign for UVSSA-related condition. Last evaluated: 2019-08-16. Review status: no assertion criteria provided. Collection method: clinical testing. Allele origin: germline.
Comment: This variant is classified as likely benign based on ACMG/AMP sequence variant interpretation guidelines (Richards et al. 2015 PMID: 25741868, with internal and published modifications).